The following is an entry in ClinVar:

ClinVar aggregate classification (germline): Uncertain significance (1 of 4 stars; one submission).

gnomAD v4.1: 2 of 1,611,964 alleles (0.00012%); highest among the groups gnomAD compares: African/African-American, 0.0027%; no homozygotes.

Submission:

GeneDx
Classification: Uncertain significance. Last evaluated: 2025-05-05. Review status: criteria provided, single submitter. Criteria: GeneDx Variant Classification Process June 2021. Collection method: clinical testing. Allele origin: germline. Affected: yes.
Comment: Not observed at significant frequency in large population cohorts (gnomAD); In silico analysis supports that this missense variant has a deleterious effect on protein structure/function; Has not been previously published as pathogenic or benign to our knowledge

NM_001256012.3(MYH10):c.4489C>G (p.Arg1497Gly)

Gene: MYH10 (myosin heavy chain 10; minus strand). Cytogenetic location: 17p13.1.
Variant type: single nucleotide variant.
Coding change: c.4489C>G on transcript NM_001256012.3 (MANE Select); coding-DNA position 4489, C replaced by G.
Protein change: p.Arg1497Gly; replaces arginine 1497 with glycine.
Molecular consequence: missense variant.
Genome position (GRCh38, 1-based): chr17:8,492,479, G>C on the plus strand (C>G on the coding strand, the complement: MYH10 is on the minus strand). VCF-style: chr17-8492479-G-C. GRCh37 (hg19) VCF-style: chr17-8395797-G-C.
Other names: c.4426C>G, p.Arg1476Gly (NM_001375266.1); c.4396C>G, p.Arg1466Gly (NM_005964.5); c.4423C>G, p.Arg1475Gly (NM_001256095.2); short protein forms R1466G, R1475G, R1476G, R1497G.
Identifiers: ClinVar variation 4527687 (VCV004527687.1).